The following is an entry in ClinVar:

ClinVar aggregate classification (germline): Conflicting classifications of pathogenicity. Review status: criteria provided, conflicting classifications (1 of 4 stars). 2 submissions from 2 submitters: Uncertain significance (1); Likely benign (1). Last evaluated 2022-11-01.

Conditions:
Aicardi-Goutieres syndrome 5. Identifiers: Orphanet 51, MedGen C2749659, MONDO:0013059, OMIM 612952.

gnomAD v4.1: 10 of 1,597,322 alleles (0.00063%); highest among the groups gnomAD compares: Non-Finnish European, 0.00086%; no homozygotes.

Submissions (2):

Labcorp Genetics (formerly Invitae), Labcorp
Classification: Uncertain significance for Aicardi-Goutieres syndrome 5. Last evaluated: 2022-11-01. Review status: criteria provided, single submitter. Criteria: Invitae Variant Classification Sherloc (09022015). Collection method: clinical testing. Allele origin: germline.
Comment: This sequence change falls in intron 14 of the SAMHD1 gene. It does not directly change the encoded amino acid sequence of the SAMHD1 protein. It affects a nucleotide within the consensus splice site. This variant is present in population databases (rs747508625, gnomAD 0.002%). This variant has not been reported in the literature in individuals affected with SAMHD1-related conditions. ClinVar contains an entry for this variant (Variation ID: 1468596). Variants that disrupt the consensus splice site are a relatively common cause of aberrant splicing (PMID: 17576681, 9536098). Algorithms developed to predict the effect of sequence changes on RNA splicing suggest that this variant is not likely to affect RNA splicing. In summary, the available evidence is currently insufficient to determine the role of this variant in disease. Therefore, it has been classified as a Variant of Uncertain Significance.

Blueprint Genetics
Classification: Likely benign. Last evaluated: 2022-09-08. Review status: criteria provided, single submitter. Criteria: ACMG Guidelines, 2015. Collection method: clinical testing. Allele origin: germline.

Literature cited by the submitters: PubMed 17576681 (cited by Labcorp Genetics (formerly Invitae), Labcorp); PubMed 9536098 (cited by Labcorp Genetics (formerly Invitae), Labcorp).

NM_015474.4(SAMHD1):c.1608+6T>A

Gene: SAMHD1 (SAM and HD domain containing deoxynucleoside triphosphate triphosphohydrolase 1; minus strand). Cytogenetic location: 20q11.23.
Variant type: single nucleotide variant.
Coding change: c.1608+6T>A on transcript NM_015474.4 (MANE Select); 6 bases into the intron after coding-DNA position 1608, T replaced by A.
Molecular consequence: intron variant.
Genome position (GRCh38, 1-based): chr20:36,898,434, A>T on the plus strand (T>A on the coding strand, the complement: SAMHD1 is on the minus strand). VCF-style: chr20-36898434-A-T. GRCh37 (hg19) VCF-style: chr20-35526837-A-T.
Other names: c.1504-475T>A (NM_001363729.2); c.1608+6T>A (NM_001363733.2).
Identifiers: ClinVar variation 1468596 (VCV001468596.4), dbSNP rs747508625, ClinGen allele CA9844458.